The following is an entry in ClinVar:

ClinVar aggregate classification (germline): Uncertain significance (1 of 4 stars; one submission).

Conditions:
Singleton-Merten syndrome 1 (SGMRT1). Also called: Widened medullary cavities of bone, aortic calcification, abnormal dentition, and muscular weakness; Syndrome of widened medullary cavities of the metacarpals and phalanges, aortic calcification and abnormal dentition. Identifiers: Orphanet 85191, MedGen C4225427, MONDO:0024535, OMIM 182250.
Aicardi-Goutieres syndrome 7 (AGS7). Identifiers: Orphanet 51, MedGen C3888244, MONDO:0014367, OMIM 615846.

gnomAD v4.1: 3 of 1,610,508 alleles (0.00019%); highest among the groups gnomAD compares: Non-Finnish European, 0.00025%; no homozygotes.

Submission:

Labcorp Genetics (formerly Invitae), Labcorp
Classification: Uncertain significance for Aicardi-Goutieres syndrome 7; Singleton-Merten syndrome 1. Last evaluated: 2025-02-03. Review status: criteria provided, single submitter. Criteria: Invitae Variant Classification Sherloc (09022015). Collection method: clinical testing. Allele origin: germline.
Comment: This sequence change replaces proline, which is neutral and non-polar, with serine, which is neutral and polar, at codon 535 of the IFIH1 protein (p.Pro535Ser). The frequency data for this variant in the population databases is considered unreliable, as metrics indicate poor data quality at this position in the gnomAD database. This variant has not been reported in the literature in individuals affected with IFIH1-related conditions. ClinVar contains an entry for this variant (Variation ID: 1405594). Invitae Evidence Modeling of protein sequence and biophysical properties (such as structural, functional, and spatial information, amino acid conservation, physicochemical variation, residue mobility, and thermodynamic stability) has been performed for this missense variant. However, the output from this modeling did not meet the statistical confidence thresholds required to predict the impact of this variant on IFIH1 protein function. In summary, the available evidence is currently insufficient to determine the role of this variant in disease. Therefore, it has been classified as a Variant of Uncertain Significance.

NM_022168.4(IFIH1):c.1603C>T (p.Pro535Ser)

Gene: IFIH1 (interferon induced with helicase C domain 1; minus strand). Cytogenetic location: 2q24.2.
Variant type: single nucleotide variant.
Coding change: c.1603C>T on transcript NM_022168.4 (MANE Select); coding-DNA position 1603, C replaced by T.
Protein change: p.Pro535Ser; replaces proline 535 with serine.
Molecular consequence: missense variant.
Genome position (GRCh38, 1-based): chr2:162,280,034, G>A on the plus strand (C>T on the coding strand, the complement: IFIH1 is on the minus strand). VCF-style: chr2-162280034-G-A. GRCh37 (hg19) VCF-style: chr2-163136544-G-A.
Other names: short protein forms P535S.
Identifiers: ClinVar variation 1405594 (VCV001405594.6), dbSNP rs764183171, ClinGen allele CA59663483.